The following is an entry in ClinVar:

ClinVar aggregate classification (germline): Uncertain significance (1 of 4 stars; one submission).

Conditions:
Fibrous dysplasia of jaw (CRBM). Also called: Cherubism. Identifiers: Orphanet 184, MedGen C0008029, MONDO:0007315, OMIM 118400.

Allele frequency attached by ClinVar (database versions not stated): gnomAD exomes 0.00001.
gnomAD v4.1: 18 of 1,613,128 alleles (0.0011%); highest among the groups gnomAD compares: Non-Finnish European, 0.0014%; no homozygotes.

Submission:

Labcorp Genetics (formerly Invitae), Labcorp
Classification: Uncertain significance for Fibrous dysplasia of jaw. Last evaluated: 2022-07-14. Review status: criteria provided, single submitter. Criteria: Invitae Variant Classification Sherloc (09022015). Collection method: clinical testing. Allele origin: germline.
Comment: This variant has not been reported in the literature in individuals affected with SH3BP2-related conditions. This variant is not present in population databases (gnomAD no frequency). This sequence change replaces serine, which is neutral and polar, with arginine, which is basic and polar, at codon 76 of the SH3BP2 protein (p.Ser76Arg). Algorithms developed to predict the effect of missense changes on protein structure and function (SIFT, PolyPhen-2, Align-GVGD) all suggest that this variant is likely to be disruptive. In summary, the available evidence is currently insufficient to determine the role of this variant in disease. Therefore, it has been classified as a Variant of Uncertain Significance.

NM_001122681.2(SH3BP2):c.228T>G (p.Ser76Arg)

Gene: SH3BP2 (SH3 domain binding protein 2; plus strand). Cytogenetic location: 4p16.3.
Variant type: single nucleotide variant.
Coding change: c.228T>G on transcript NM_001122681.2 (MANE Select); coding-DNA position 228, T replaced by G.
Protein change: p.Ser76Arg; replaces serine 76 with arginine.
Molecular consequence: missense variant.
Genome position (GRCh38, 1-based): chr4:2,823,026, T>G. VCF-style: chr4-2823026-T-G. GRCh37 (hg19) VCF-style: chr4-2824753-T-G.
Other names: c.312T>G, p.Ser104Arg (NM_001145855.2); c.399T>G, p.Ser133Arg (NM_001145856.2); c.228T>G, p.Ser76Arg (NM_003023.4); short protein forms S133R, S76R, S104R.
Identifiers: ClinVar variation 1972740 (VCV001972740.5), dbSNP rs1724392521, ClinGen allele CA356053631.
Genomic context (GRCh38, chr4:2,823,026, plus strand): 5'-CTGCGTCTACTACTTCAAGAGTAGCACCTCTGCCTCCCCGCAGGGCGCCTTCTCCCTGAG[T>G]GGCTATAACCGGTAAGTGCCCGACCTGCCTGCTGACCTCGGGCCCCCACAGCCAGCGGGT-3'
Protein context (NP_001116153.1, residues 66-86): SASPQGAFSL[Ser76Arg]GYNRVMRAAE